The following is an entry in ClinVar:

ClinVar aggregate classification (germline): Likely pathogenic (1 of 4 stars; one submission).

Submission:

Labcorp Genetics (formerly Invitae), Labcorp
Classification: Likely pathogenic. Last evaluated: 2024-01-24. Review status: criteria provided, single submitter. Criteria: Invitae Variant Classification Sherloc (09022015). Collection method: clinical testing. Allele origin: germline.
Comment: This sequence change affects an acceptor splice site in intron 2 of the PLOD3 gene. It is expected to disrupt RNA splicing. Variants that disrupt the donor or acceptor splice site typically lead to a loss of protein function (PMID: 16199547), and loss-of-function variants in PLOD3 are known to be pathogenic (PMID: 30237576). This variant is not present in population databases (gnomAD no frequency). This variant has not been reported in the literature in individuals affected with PLOD3-related conditions. ClinVar contains an entry for this variant (Variation ID: 2023516). Algorithms developed to predict the effect of sequence changes on RNA splicing suggest that this variant may disrupt the consensus splice site. In summary, the currently available evidence indicates that the variant is pathogenic, but additional data are needed to prove that conclusively. Therefore, this variant has been classified as Likely Pathogenic.

Literature cited by the submitters: PubMed 16199547; PubMed 30237576.

NM_001084.5(PLOD3):c.202-1G>T

Gene: PLOD3 (procollagen-lysine,2-oxoglutarate 5-dioxygenase 3; minus strand). Cytogenetic location: 7q22.1.
Variant type: single nucleotide variant.
Coding change: c.202-1G>T on transcript NM_001084.5 (MANE Select); the canonical splice acceptor site of the intron before coding-DNA position 202, G replaced by T.
Molecular consequence: splice acceptor variant.
Genome position (GRCh38, 1-based): chr7:101,216,547, C>A on the plus strand (G>T on the coding strand, the complement: PLOD3 is on the minus strand). VCF-style: chr7-101216547-C-A. GRCh37 (hg19) VCF-style: chr7-100859828-C-A.
Identifiers: ClinVar variation 2023516 (VCV002023516.4), dbSNP rs2535178516, ClinGen allele CA368626706.